The following is an entry in ClinVar:

NM_001035.3(RYR2):c.9383T>A (p.Val3128Glu)

Gene: RYR2 (ryanodine receptor 2; plus strand). Cytogenetic location: 1q43.
Variant type: single nucleotide variant.
Coding change: c.9383T>A on transcript NM_001035.3 (MANE Select); coding-DNA position 9383, T replaced by A.
Protein change: p.Val3128Glu; replaces valine 3128 with glutamic acid.
Molecular consequence: missense variant.
Genome position (GRCh38, 1-based): chr1:237,701,993, T>A. VCF-style: chr1-237701993-T-A. GRCh37 (hg19) VCF-style: chr1-237865293-T-A.
Other names: short protein forms V3128E.
Identifiers: ClinVar variation 4863734 (VCV004863734.1).

ClinVar aggregate classification (germline): Uncertain significance (1 of 4 stars; one submission).

Conditions:
Cardiovascular phenotype. Identifiers: MedGen CN230736.

Submission:

Ambry Genetics
Classification: Uncertain significance for Cardiovascular phenotype. Last evaluated: 2026-06-09. Review status: criteria provided, single submitter. Criteria: Ambry Variant Classification Scheme 2023. Collection method: clinical testing. Allele origin: germline.
Comment: The p.V3128E variant (also known as c.9383T>A), located in coding exon 66 of the RYR2 gene, results from a T to A substitution at nucleotide position 9383. The valine at codon 3128 is replaced by glutamic acid, an amino acid with dissimilar properties. This amino acid position is conserved. In addition, this alteration is predicted to be deleterious by in silico analysis. Based on the available evidence, the clinical significance of this variant remains unclear.